The following is an entry in ClinVar:

ClinVar aggregate classification (germline): Uncertain significance (1 of 4 stars; one submission).

gnomAD v4.1: 1 of 1,614,026 alleles (0.000062%); highest among the groups gnomAD compares: Non-Finnish European, 0.000085%; no homozygotes.

Submission:

Ambry Genetics
Classification: Uncertain significance. Last evaluated: 2024-10-05. Review status: criteria provided, single submitter. Criteria: Ambry Variant Classification Scheme 2023. Collection method: clinical testing. Allele origin: germline.
Comment: The p.N10S variant (also known as c.29A>G), located in coding exon 1 of the BUB3 gene, results from an A to G substitution at nucleotide position 29. The asparagine at codon 10 is replaced by serine, an amino acid with highly similar properties. This amino acid position is conserved. In addition, this alteration is predicted to be tolerated by in silico analysis. Based on the available evidence, the clinical significance of this variant remains unclear.

NM_004725.4(BUB3):c.29A>G (p.Asn10Ser)

Gene: BUB3 (BUB3 mitotic checkpoint protein; plus strand). Cytogenetic location: 10q26.13.
Variant type: single nucleotide variant.
Coding change: c.29A>G on transcript NM_004725.4 (MANE Select); coding-DNA position 29, A replaced by G.
Protein change: p.Asn10Ser; replaces asparagine 10 with serine.
Molecular consequence: missense variant.
Genome position (GRCh38, 1-based): chr10:123,154,946, A>G. VCF-style: chr10-123154946-A-G. GRCh37 (hg19) VCF-style: chr10-124914462-A-G.
Other names: c.29A>G, p.Asn10Ser (NM_001007793.3); short protein forms N10S.
Identifiers: ClinVar variation 3483269 (VCV003483269.1).